The following is an entry in ClinVar:

ClinVar aggregate classification (germline): Uncertain significance (1 of 4 stars; one submission).

Conditions:
Osteogenesis imperfecta type I (OI1). Also called: Lobstein disease; OI, TYPE I; OSTEOGENESIS IMPERFECTA TARDA; OSTEOGENESIS IMPERFECTA WITH BLUE SCLERAE; Osteogenesis imperfecta type 1; Lobstein's Disease. Identifiers: Orphanet 216796, Orphanet 666, MedGen C0023931, MONDO:0008146, OMIM 166200. Disease mechanism: loss of function.
Ehlers-Danlos syndrome, classic type, 1 (EDSCL1). Also called: EDS I; EHLERS-DANLOS SYNDROME, GRAVIS TYPE; EHLERS-DANLOS SYNDROME, SEVERE CLASSIC TYPE; Ehlers-Danlos syndrome, type 1; Ehlers-Danlos Syndrome, Classic Type, COL5A1-Related. Identifiers: MedGen C0268335, MONDO:0019567, OMIM 130000.

Allele frequency attached by ClinVar (database versions not stated): gnomAD exomes below 0.00001; TOPMed below 0.00001; gnomAD 0.00001.
gnomAD v4.1: 2 of 1,613,340 alleles (0.00012%); highest among the groups gnomAD compares: Admixed American, 0.0017%; no homozygotes.

Submission:

Labcorp Genetics (formerly Invitae), Labcorp
Classification: Uncertain significance for Osteogenesis imperfecta type I; Ehlers-Danlos syndrome, classic type, 1. Last evaluated: 2024-02-09. Review status: criteria provided, single submitter. Criteria: Invitae Variant Classification Sherloc (09022015). Collection method: clinical testing. Allele origin: germline.
Comment: This sequence change replaces asparagine, which is neutral and polar, with serine, which is neutral and polar, at codon 953 of the COL1A2 protein (p.Asn953Ser). This variant is not present in population databases (gnomAD no frequency). This variant has not been reported in the literature in individuals affected with COL1A2-related conditions. Advanced modeling of protein sequence and biophysical properties (such as structural, functional, and spatial information, amino acid conservation, physicochemical variation, residue mobility, and thermodynamic stability) performed at Invitae indicates that this missense variant is not expected to disrupt COL1A2 protein function with a negative predictive value of 95%. In summary, the available evidence is currently insufficient to determine the role of this variant in disease. Therefore, it has been classified as a Variant of Uncertain Significance.

NM_000089.4(COL1A2):c.2858A>G (p.Asn953Ser)

Gene: COL1A2 (collagen type I alpha 2 chain; plus strand). Cytogenetic location: 7q21.3.
Variant type: single nucleotide variant.
Coding change: c.2858A>G on transcript NM_000089.4 (MANE Select); coding-DNA position 2858, A replaced by G.
Protein change: p.Asn953Ser; replaces asparagine 953 with serine.
Molecular consequence: missense variant.
Genome position (GRCh38, 1-based): chr7:94,425,772, A>G. VCF-style: chr7-94425772-A-G. GRCh37 (hg19) VCF-style: chr7-94055084-A-G.
Other names: short protein forms N953S.
Identifiers: ClinVar variation 2927587 (VCV002927587.3), dbSNP rs1479084555, ClinGen allele CA368224772.